The following is an entry in ClinVar:

ClinVar aggregate classification (germline): Uncertain significance (1 of 4 stars; one submission).

Conditions:
Dilated cardiomyopathy 1JJ (CMD1JJ). Identifiers: Orphanet 154, MedGen C3808935, MONDO:0014095, OMIM 615235.

Submission:

Labcorp Genetics (formerly Invitae), Labcorp
Classification: Uncertain significance for Dilated cardiomyopathy 1JJ. Last evaluated: 2025-05-06. Review status: criteria provided, single submitter. Criteria: Invitae Variant Classification Sherloc (09022015). Collection method: clinical testing. Allele origin: germline.
Comment: This sequence change creates a premature translational stop signal (p.Thr1677Profs*13) in the LAMA4 gene. It is expected to result in an absent or disrupted protein product. However, the current clinical and genetic evidence is not sufficient to establish whether loss-of-function variants in LAMA4 cause disease. This variant is not present in population databases (gnomAD no frequency). This variant has not been reported in the literature in individuals affected with LAMA4-related conditions. In summary, the available evidence is currently insufficient to determine the role of this variant in disease. Therefore, it has been classified as a Variant of Uncertain Significance.

NM_001105206.3(LAMA4):c.5050del (p.Thr1684fs)

Gene: LAMA4 (laminin subunit alpha 4; minus strand). Cytogenetic location: 6q21.
Variant type: Deletion.
Coding change: c.5050del on transcript NM_001105206.3 (MANE Select); coding-DNA position 5050, one base deleted (A; older notation c.5050delA).
Protein change: p.Thr1684fs; shifts the reading frame from threonine 1684.
Molecular consequence: frameshift variant.
Genome position (GRCh38, 1-based): chr6:112,115,925, T deleted on the plus strand (A on the coding strand, the reverse complement: LAMA4 is on the minus strand); the first of 2 consecutive T bases (chr6:112,115,925-112,115,926); deleting either gives the same sequence. VCF-style (leftmost placement, unchanged base first): chr6-112115924-GT-G. GRCh37 (hg19) VCF-style: chr6-112437127-GT-G.
Other names: c.5029del, p.Thr1677fs (NM_001105207.3, NM_002290.5); short protein forms T1677fs, T1684fs.
Identifiers: ClinVar variation 4719040 (VCV004719040.1).
Genomic context (GRCh38, chr6:112,115,924, plus strand): 5'-TGTCCATTTTTCATGTGAACATTTAGGTACTCCCCATTGACACTGTGGCCGTGGACCAGG[GT>G]TCCGGAACTGCTTCTGGGACGGACTTCAAATGCAATTTCAAACTTCAATCCAATATTGAA-3'